The following is an entry in ClinVar:

NM_000256.3(MYBPC3):c.2864C>A (p.Pro955His)

Gene: MYBPC3 (myosin binding protein C3; minus strand). Cytogenetic location: 11p11.2.
Variant type: single nucleotide variant.
Coding change: c.2864C>A on transcript NM_000256.3 (MANE Select); coding-DNA position 2864, C replaced by A.
Protein change: p.Pro955His; replaces proline 955 with histidine.
Molecular consequence: missense variant.
Genome position (GRCh38, 1-based): chr11:47,335,083, G>T on the plus strand (C>A on the coding strand, the complement: MYBPC3 is on the minus strand). VCF-style: chr11-47335083-G-T. GRCh37 (hg19) VCF-style: chr11-47356634-G-T.
Other names: short protein forms P955H.
Identifiers: ClinVar variation 1284524 (VCV001284524.5), dbSNP rs2095880941, ClinGen allele CA380316265.

ClinVar aggregate classification (germline): Uncertain significance. Review status: criteria provided, multiple submitters, no conflicts (2 of 4 stars). 4 submissions from 4 submitters: Uncertain significance (2). 2 of the submissions do not count toward it. Last evaluated 2023-11-15.

Conditions:
Hypertrophic cardiomyopathy. Also called: HYPERTROPHIC MYOCARDIOPATHY. Identifiers: Orphanet 217569, MedGen C0007194, MeSH D002312, MONDO:0005045, HP:0001639.
Cardiovascular phenotype. Identifiers: MedGen CN230736.

Allele frequency attached by ClinVar (database versions not stated): gnomAD exomes below 0.00001; TOPMed below 0.00001.
gnomAD v4.1: 3 of 1,597,442 alleles (0.00019%); highest among the groups gnomAD compares: Non-Finnish European, 0.00026%; no homozygotes.

Submissions (4):

Ambry Genetics
Classification: Uncertain significance for Cardiovascular phenotype. Last evaluated: 2023-11-15. Review status: criteria provided, single submitter. Criteria: Ambry Variant Classification Scheme 2023. Collection method: clinical testing. Allele origin: germline.
Comment: The p.P955H variant (also known as c.2864C>A), located in coding exon 27 of the MYBPC3 gene, results from a C to A substitution at nucleotide position 2864. The proline at codon 955 is replaced by histidine, an amino acid with similar properties. This variant was detected in a cardiomyopathy/arrhythmia genetic testing cohort; however, clinical details were limited, and additional cardiac variants were detected in some cases (van Lint FHM et al. Neth Heart J, 2019 Jun;27:304-309). This amino acid position is not well conserved in available vertebrate species. In addition, this alteration is predicted to be tolerated by in silico analysis. Since supporting evidence is limited at this time, the clinical significance of this alteration remains unclear.

All of Us Research Program, National Institutes of Health
Classification: Uncertain significance for Hypertrophic cardiomyopathy. Last evaluated: 2023-05-16. Review status: criteria provided, single submitter. Criteria: ACMG Guidelines, 2015. Collection method: clinical testing. Allele origin: germline. Inheritance: Autosomal dominant inheritance. Observed: 1 variant allele, 1 heterozygote.
Comment: This missense variant replaces proline with histidine at codon 955 of the MYBPC3 protein. Computational prediction suggests that this variant may not impact protein structure and function (internally defined REVEL score threshold <= 0.5, PMID: 27666373). To our knowledge, functional studies have not been reported for this variant. This variant has been reported in an individual affected with hypertrophic cardiomyopathy; this individual also carried a pathogenic splice variant in the same gene (PMID: 30847666). This variant has not been identified in the general population by the Genome Aggregation Database (gnomAD). The available evidence is insufficient to determine the role of this variant in disease conclusively. Therefore, this variant is classified as a Variant of Uncertain Significance.

This study involves interpretation of variants in research participants for the purpose of population health screening. Participant phenotype was not available at the time of variant classification. Additional details can be found in publication PMID: 35346344, PMCID: PMC8962531

Clinical Genetics DNA and cytogenetics Diagnostics Lab, Erasmus MC, Erasmus Medical Center
Classification: Uncertain significance. Review status: no assertion criteria provided. Collection method: clinical testing. Allele origin: germline. Affected: yes. Study: VKGL Data-share Consensus. Not counted in ClinVar's aggregate classification.

Clinical Genetics, Academic Medical Center
Classification: Uncertain significance. Review status: no assertion criteria provided. Collection method: clinical testing. Allele origin: germline. Affected: yes. Study: VKGL Data-share Consensus. Not counted in ClinVar's aggregate classification.

Literature cited by the submitters: PubMed 30847666 (cited by Ambry Genetics and All of Us Research Program, National Institutes of Health).